The following is an entry in ClinVar:

ClinVar aggregate classification (germline): Likely benign. Review status: criteria provided, multiple submitters, no conflicts (2 of 4 stars). 4 submissions from 4 submitters: Likely benign (3). 1 of the submissions does not count toward it. Last evaluated 2026-06-01.

Conditions:
Hereditary persistence of fetal hemoglobin-beta-thalassemia syndrome. Identifiers: Orphanet 46532, MedGen C0271994, MONDO:0018749.
ZBTB7A-related disorder. Also called: ZBTB7A-related condition.

Submissions (4):

CeGaT Center for Human Genetics Tuebingen
Classification: Likely benign. Last evaluated: 2026-06-01. Review status: criteria provided, single submitter. Criteria: CeGaT Center For Human Genetics Tuebingen Variant Classification Criteria Version 2. Collection method: clinical testing. Allele origin: germline. Affected: yes. Observed: 2 variant alleles.
Comment: ZBTB7A: BP4, BP7, BS1

PreventionGenetics, part of Exact Sciences
Classification: Likely benign for ZBTB7A-related condition. Last evaluated: 2024-12-04. Review status: criteria provided, single submitter. Criteria: ACMG Guidelines, 2015. Collection method: clinical testing. Allele origin: germline.
Comment: This variant is classified as likely benign based on ACMG/AMP sequence variant interpretation guidelines (Richards et al. 2015 PMID: 25741868, with internal and published modifications).

Blueprint Genetics
Classification: Likely benign. Last evaluated: 2024-11-25. Review status: criteria provided, single submitter. Criteria: ACMG Guidelines, 2015. Collection method: clinical testing. Allele origin: germline.

Medical Genetics, Medicine Faculty, Yozgat Bozok University
Classification: Uncertain risk allele for Hereditary persistence of fetal hemoglobin-beta-thalassemia syndrome. Last evaluated: 2025-09-12. Review status: no assertion criteria provided. Collection method: research. Allele origin: germline. Affected: yes. Observed: 1 variant allele. Not counted in ClinVar's aggregate classification.

NM_015898.4(ZBTB7A):c.1032C>T (p.Asp344=)

Gene: ZBTB7A (zinc finger and BTB domain containing 7A; minus strand). Cytogenetic location: 19p13.3.
Variant type: single nucleotide variant.
Coding change: c.1032C>T on transcript NM_015898.4 (MANE Select); coding-DNA position 1032, C replaced by T.
Protein change: p.Asp344=; no amino-acid change (aspartic acid 344 retained).
Molecular consequence: synonymous variant.
Genome position (GRCh38, 1-based): chr19:4,054,201, G>A on the plus strand (C>T on the coding strand, the complement: ZBTB7A is on the minus strand). VCF-style: chr19-4054201-G-A. GRCh37 (hg19) VCF-style: chr19-4054199-G-A.
Other names: c.1032C>T, p.Asp344= (NM_001317990.2); c.1032C>T (NM_001317990.1).
Identifiers: ClinVar variation 4083488 (VCV004083488.10).
Genomic context (GRCh38, chr19:4,054,201, plus strand): 5'-GACGTCGCCGTCGTGGGCGCCGCTGAAGTACTTCAGGTAGTAGTCCATGACGCCCTTGTC[G>A]TCGGCCCGCGACTCCTCGTCGCTGTCCCCCGCCGCGGCCCCCGCCCGGCCCACCGATGAC-3'
Protein context (NP_056982.1, residues 334-354): AGDSDEESRA[Asp344=]DKGVMDYYLK